The following is an entry in ClinVar:

ClinVar aggregate classification (germline): Pathogenic (1 of 4 stars; one submission).

Conditions:
Heterotaxy, visceral, 5, autosomal (HTX5). Also called: Heterotaxy, visceral, 5. Identifiers: Orphanet 450, MedGen C3495537, MONDO:0700112, OMIM 270100.

Submission:

Labcorp Genetics (formerly Invitae), Labcorp
Classification: Pathogenic for Heterotaxy, visceral, 5, autosomal. Last evaluated: 2021-12-02. Review status: criteria provided, single submitter. Criteria: Invitae Variant Classification Sherloc (09022015). Collection method: clinical testing. Allele origin: germline.
Comment: This variant results in the deletion of exons 2-3 and part of exon 1 (c.77_*9322del) of the NODAL gene. While this deletion is not anticipated to lead to nonsense mediated decay, it is expected to alter mRNA translation or result in a truncated protein product. This variant has not been reported in the literature in individuals affected with NODAL-related conditions. This variant deletes the mature protein domain (p.His238-Leu347) of the NODAL protein that is required for downstream signaling and proper embryonic development (PMID: 12447384, 18579681). For these reasons, this variant has been classified as Pathogenic.

Literature cited by the submitters: PubMed 12447384; PubMed 18579681.

NC_000010.10:g.(?_72183370)_(72201347_?)del

Genes: EIF4EBP2 (eukaryotic translation initiation factor 4E binding protein 2; plus strand), NODAL (nodal growth differentiation factor; minus strand). Cytogenetic location: 10q22.1.
Variant type: Deletion.
Identifiers: ClinVar variation 1460012 (VCV001460012.3).